The following is an entry in ClinVar:

ClinVar aggregate classification (germline): Conflicting classifications of pathogenicity. Review status: criteria provided, conflicting classifications (1 of 4 stars). 11 submissions from 11 submitters: Uncertain significance (10); Likely benign (1). Last evaluated 2025-12-04.

Conditions:
TTN-related disorder. Also called: TTN-related disorders; TTN-related condition; TTN-related disease.
Cardiovascular phenotype. Identifiers: MedGen CN230736.
Dilated cardiomyopathy 1G (CMD1G). Identifiers: Orphanet 154, MedGen C1858763, MONDO:0011400, OMIM 604145.
Autosomal recessive limb-girdle muscular dystrophy type 2J (LGMDR10). Also called: MUSCULAR DYSTROPHY, LIMB-GIRDLE, AUTOSOMAL RECESSIVE 10; Limb-girdle muscular dystrophy, type 2J. Identifiers: Orphanet 140922, MedGen C1837342, MONDO:0012127, OMIM 608807.
Early-onset myopathy with fatal cardiomyopathy (CMYO5). Also called: CONGENITAL MYOPATHY 5 WITH CARDIOMYOPATHY; Salih Myopathy. Identifiers: Orphanet 289377, MedGen C2673677, MONDO:0012714, OMIM 611705. Disease mechanism: loss of function.
Hypertrophic cardiomyopathy 9. Also called: Familial hypertrophic cardiomyopathy 9. Identifiers: MedGen C1861065, MONDO:0013412, OMIM 613765.
Tibial muscular dystrophy (TMD). Also called: Udd Distal Myopathy – Tibial Muscular Dystrophy; Tibial muscular dystrophy, tardive; UDD MYOPATHY. Identifiers: Orphanet 609, MedGen C1838244, MONDO:0010870, OMIM 600334.
Myopathy, myofibrillar, 9, with early respiratory failure (MFM9). Also called: Myopathy, distal, with early respiratory failure, autosomal dominant; Hereditary myopathy with early respiratory failure; MYOPATHY, PROXIMAL, WITH EARLY RESPIRATORY MUSCLE INVOLVEMENT; EDSTROM MYOPATHY. Identifiers: Orphanet 178464, Orphanet 34521, MedGen C1863599, MONDO:0011362, OMIM 603689.

Allele frequency attached by ClinVar (database versions not stated): ExAC 0.00003; gnomAD exomes 0.00003; TOPMed 0.00011; gnomAD 0.00011 and 0.00013.
gnomAD v4.1: 61 of 1,613,600 alleles (0.0038%); highest among the groups gnomAD compares: Middle Eastern, 0.049%; no homozygotes.

Submissions (11):

PreventionGenetics, part of Exact Sciences
Classification: Uncertain significance for TTN-related condition. Last evaluated: 2025-12-04. Review status: criteria provided, single submitter. Criteria: ACMG Guidelines, 2015. Collection method: clinical testing. Allele origin: germline.
Comment: The TTN c.100417G>A variant is predicted to result in the amino acid substitution p.Gly33473Ser. To our knowledge, this variant has not been reported in the literature. This variant is reported in 0.0086% of alleles in individuals of European (Non-Finnish) descent in gnomAD. Although we suspect that this variant may be benign, at this time, the clinical significance of this variant is uncertain due to the absence of conclusive functional and genetic evidence.

Women's Health and Genetics/Laboratory Corporation of America, LabCorp
Classification: Uncertain significance. Last evaluated: 2024-12-09. Review status: criteria provided, single submitter. Criteria: LabCorp Variant Classification Summary - May 2015. Collection method: clinical testing. Allele origin: germline.
Comment: Variant summary: TTN c.92713G>A (p.Gly30905Ser) results in a non-conservative amino acid change in the encoded protein sequence. Two of three in-silico tools predict a damaging effect of the variant on protein function. The variant allele was found at a frequency of 3.9e-05 in 1583086 control chromosomes, predominantly at a frequency of 0.00049 within the Non-Finnish European subpopulation in the gnomAD database. The available data on variant occurrences in the general population are insufficient to allow any conclusion about variant significance. To our knowledge, no occurrence of c.92713G>A in individuals affected with TTN-related conditions and no experimental evidence demonstrating its impact on protein function have been reported. ClinVar contains an entry for this variant (Variation ID: 47627). Based on the evidence outlined above, the variant was classified as uncertain significance.

Mayo Clinic Laboratories, Mayo Clinic
Classification: Uncertain significance. Last evaluated: 2023-11-27. Review status: criteria provided, single submitter. Criteria: ACMG Guidelines, 2015. Collection method: clinical testing. Allele origin: germline. Observed: 1 variant allele.

CeGaT Center for Human Genetics Tuebingen
Classification: Uncertain significance. Last evaluated: 2023-02-01. Review status: criteria provided, single submitter. Criteria: CeGaT Center For Human Genetics Tuebingen Variant Classification Criteria Version 2. Collection method: clinical testing. Allele origin: germline. Affected: yes. Observed: 1 variant allele.
Comment: TTN: PM2

Athena Diagnostics
Classification: Uncertain significance. Last evaluated: 2022-08-22. Review status: criteria provided, single submitter. Criteria: Athena Diagnostics Criteria. Collection method: clinical testing. Allele origin: unknown.

Revvity Omics, Revvity
Classification: Uncertain significance. Last evaluated: 2022-04-01. Review status: criteria provided, single submitter. Criteria: ACMG Guidelines, 2015. Collection method: clinical testing. Allele origin: germline.

Fulgent Genetics
Classification: Uncertain significance for Tibial muscular dystrophy; Myopathy, myofibrillar, 9, with early respiratory failure; Dilated cardiomyopathy 1G; Autosomal recessive limb-girdle muscular dystrophy type 2J; Early-onset myopathy with fatal cardiomyopathy; Hypertrophic cardiomyopathy 9. Last evaluated: 2021-10-20. Review status: criteria provided, single submitter. Criteria: ACMG Guidelines, 2015. Collection method: clinical testing. Allele origin: unknown.

Ambry Genetics
Classification: Likely benign for Cardiovascular phenotype. Last evaluated: 2020-05-27. Review status: criteria provided, single submitter. Criteria: Ambry Variant Classification Scheme 2023. Collection method: clinical testing. Allele origin: germline.

Eurofins Ntd Llc (ga)
Classification: Uncertain significance. Last evaluated: 2015-12-22. Review status: criteria provided, single submitter. Criteria: EGL Classification Definitions 2015. Collection method: clinical testing. Allele origin: germline. Observed: 1 variant allele, 1 heterozygote.

Laboratory for Molecular Medicine, Mass General Brigham Personalized Medicine
Classification: Uncertain significance. Last evaluated: 2015-09-08. Review status: criteria provided, single submitter. Criteria: LMM Criteria. Collection method: clinical testing. Allele origin: germline. Observed: 2 variant alleles.
Comment: This variant has been identified in 4/66100 European chromosomes by the Exome Aggregation Consortium (ExAC; dbSNP rs397517783). Computational prediction tools and conservation anal ysis do not provide strong support for or against an impact to the protein. In s ummary, the clinical significance of the p.Gly30905Ser variant is uncertain.

Breakthrough Genomics
Classification: Uncertain significance. Review status: criteria provided, single submitter. Criteria: ACMG Guidelines, 2015. Collection method: not provided. Allele origin: germline. Inheritance: Autosomal recessive inheritance. Affected: yes.

NM_001267550.2(TTN):c.100417G>A (p.Gly33473Ser)

Genes: TTN (titin; minus strand), TTN-AS1 (TTN antisense RNA 1; plus strand). Cytogenetic location: 2q31.2.
Variant type: single nucleotide variant.
Coding change: c.100417G>A on transcript NM_001267550.2 (MANE Select); coding-DNA position 100417, G replaced by A.
Protein change: p.Gly33473Ser; replaces glycine 33473 with serine.
Molecular consequence: missense variant.
Genome position (GRCh38, 1-based): chr2:178,536,330, C>T on the plus strand (G>A on the coding strand, the complement: TTN is on the minus strand). VCF-style: chr2-178536330-C-T. GRCh37 (hg19) VCF-style: chr2-179401057-C-T.
Other names: c.95494G>A, p.Gly31832Ser (NM_001256850.1); c.73222G>A, p.Gly24408Ser (NM_003319.4); c.92713G>A, p.Gly30905Ser (NM_133378.4); c.73597G>A, p.Gly24533Ser (NM_133432.3); c.73798G>A, p.Gly24600Ser (NM_133437.4); c.100417G>A (NM_001267550.1); short protein forms G33473S, G30905S, G31832S, G24408S, G24533S, G24600S.
Identifiers: ClinVar variation 47627 (VCV000047627.43), dbSNP rs397517783, ClinGen allele CA141540.